The following is an entry in ClinVar:

ClinVar aggregate classification (germline): Uncertain significance (1 of 4 stars; one submission).

Conditions:
Familial adenomatous polyposis 1 (FAP1). Also called: POLYPOSIS, ADENOMATOUS INTESTINAL; FAMILIAL ADENOMATOUS POLYPOSIS 1, ATTENUATED. Identifiers: MedGen C2713442, MONDO:0021056, OMIM 175100. Disease mechanism: loss of function.

Submission:

Labcorp Genetics (formerly Invitae), Labcorp
Classification: Uncertain significance for Familial adenomatous polyposis 1. Last evaluated: 2019-03-25. Review status: criteria provided, single submitter. Criteria: Invitae Variant Classification Sherloc (09022015). Collection method: clinical testing. Allele origin: germline.
Comment: In summary, the available evidence is currently insufficient to determine the role of this variant in disease. Therefore, it has been classified as a Variant of Uncertain Significance. This sequence change replaces phenylalanine with cysteine at codon 510 of the APC protein (p.Phe510Cys). The phenylalanine residue is highly conserved and there is a large physicochemical difference between phenylalanine and cysteine. This variant is not present in population databases (ExAC no frequency). This variant has not been reported in the literature in individuals with APC-related conditions. Algorithms developed to predict the effect of missense changes on protein structure and function (SIFT, PolyPhen-2, Align-GVGD) all suggest that this variant is likely to be disruptive, but these predictions have not been confirmed by published functional studies and their clinical significance is uncertain.

NM_000038.6(APC):c.1529T>G (p.Phe510Cys)

Gene: APC (APC regulator of Wnt signaling pathway; plus strand). Cytogenetic location: 5q22.2.
Variant type: single nucleotide variant.
Coding change: c.1529T>G on transcript NM_000038.6 (MANE Select); coding-DNA position 1529, T replaced by G.
Protein change: p.Phe510Cys; replaces phenylalanine 510 with cysteine.
Molecular consequence: missense variant.
Genome position (GRCh38, 1-based): chr5:112,827,228, T>G. VCF-style: chr5-112827228-T-G. GRCh37 (hg19) VCF-style: chr5-112162925-T-G.
Other names: c.1529T>G, p.Phe510Cys (NM_001127510.3, NM_001354895.2); c.1475T>G, p.Phe492Cys (NM_001127511.3); c.1583T>G, p.Phe528Cys (NM_001354896.2); c.1559T>G, p.Phe520Cys (NM_001354897.2); c.1454T>G, p.Phe485Cys (NM_001354898.2); c.1445T>G, p.Phe482Cys (NM_001354899.2); c.1406T>G, p.Phe469Cys (NM_001354900.2); c.1352T>G, p.Phe451Cys (NM_001354901.2); and 5 more; short protein forms F350C, F384C, F528C, F227C, F419C, F469C, F409C, F451C.
Identifiers: ClinVar variation 861886 (VCV000861886.11), dbSNP rs1763794650, ClinGen allele CA16024651.